The following is an entry in ClinVar:

ClinVar aggregate classification (germline): Benign/Likely benign. Review status: criteria provided, multiple submitters, no conflicts (2 of 4 stars). 5 submissions from 5 submitters: Benign (4); Likely benign (1). Last evaluated 2026-01-29.

Conditions:
Autoinflammatory syndrome. Identifiers: Orphanet 93665, MedGen C3890737, MONDO:0019751.
Periodic fever-infantile enterocolitis-autoinflammatory syndrome. Also called: Autoinflammation with infantile enterocolitis. Identifiers: Orphanet 436166, MedGen C4015067, MONDO:0014472, OMIM 616050.
Familial cold autoinflammatory syndrome 4 (FCAS4). Identifiers: Orphanet 47045, Orphanet 576349, MedGen C4015276, MONDO:0014498, OMIM 616115.

Allele frequency attached by ClinVar (database versions not stated): ExAC 0.00262; 1000 Genomes Project 30x 0.00812; gnomAD 0.00844 and 0.00909; ESP Exome Variant Server 0.00877; TOPMed 0.00960; gnomAD exomes 0.00210; 1000 Genomes Project 0.00759.
gnomAD v4.1: 2,499 of 1,614,144 alleles (0.15%); highest among the groups gnomAD compares: African/African-American, 3%; 46 homozygotes.

Submissions (5):

Labcorp Genetics (formerly Invitae), Labcorp
Classification: Benign for Periodic fever-infantile enterocolitis-autoinflammatory syndrome; Familial cold autoinflammatory syndrome 4. Last evaluated: 2026-01-29. Review status: criteria provided, single submitter. Criteria: Invitae Variant Classification Sherloc (09022015). Collection method: clinical testing. Allele origin: germline.

Women's Health and Genetics/Laboratory Corporation of America, LabCorp
Classification: Likely benign. Last evaluated: 2026-01-22. Review status: criteria provided, single submitter. Criteria: LabCorp Variant Classification Summary - May 2015. Collection method: clinical testing. Allele origin: germline.

Mayo Clinic Laboratories, Mayo Clinic
Classification: Benign. Last evaluated: 2025-01-20. Review status: criteria provided, single submitter. Criteria: ACMG Guidelines, 2015. Collection method: clinical testing. Allele origin: germline. Observed: 4 variant alleles.
Comment: BS1, BS2, BP4_moderate

Genome Diagnostics Laboratory, The Hospital for Sick Children
Classification: Benign for Autoinflammatory syndrome. Last evaluated: 2021-05-03. Review status: criteria provided, single submitter. Criteria: ACMG Guidelines, 2015. Collection method: clinical testing. Allele origin: germline. Affected: yes.

Breakthrough Genomics
Classification: Benign. Review status: criteria provided, single submitter. Criteria: ACMG Guidelines, 2015. Collection method: not provided. Allele origin: germline. Inheritance: Autosomal dominant inheritance. Affected: yes.

NM_001199138.2(NLRC4):c.1870T>A (p.Trp624Arg)

Gene: NLRC4 (NLR family CARD domain containing 4; minus strand). Cytogenetic location: 2p22.3.
Variant type: single nucleotide variant.
Coding change: c.1870T>A on transcript NM_001199138.2 (MANE Select); coding-DNA position 1870, T replaced by A.
Protein change: p.Trp624Arg; replaces tryptophan 624 with arginine.
Molecular consequence: missense variant. On other transcripts: intron variant (1).
Genome position (GRCh38, 1-based): chr2:32,249,994, A>T on the plus strand (T>A on the coding strand, the complement: NLRC4 is on the minus strand). VCF-style: chr2-32249994-A-T. GRCh37 (hg19) VCF-style: chr2-32475063-A-T.
Other names: p.Trp624Arg; c.1870T>A, p.Trp624Arg (NM_001199139.2, NM_021209.5); c.262+2425T>A (NM_001302504.1); short protein forms W624R.
Identifiers: ClinVar variation 542044 (VCV000542044.18), dbSNP rs61741169, ClinGen allele CA1601908.
Genomic context (GRCh38, chr2:32,249,994, plus strand): 5'-TGTAGGTTTCTGGGGCCTCTTCCATGTGGATTCCACCTGTGTCTTCTGCAGCCTTTTCCC[A>T]TGAAGCCATAGCTCCCCCATAAAAGTCCAGTTTAATGAAGTCCAGGGCACTTGCACAATT-3'
Protein context (NP_001186067.1, residues 614-634): LDFYGGAMAS[Trp624Arg]EKAAEDTGGI